The following is an entry in ClinVar:

ClinVar aggregate classification (germline): Uncertain significance (1 of 4 stars; one submission).

Conditions:
Colorectal cancer, hereditary nonpolyposis, type 7. Identifiers: Orphanet 144, MedGen C1858380, MONDO:0013725, OMIM 614385.

Allele frequency attached by ClinVar (database versions not stated): gnomAD exomes below 0.00001 and 0.00001; TOPMed below 0.00001.
gnomAD v4.1: 13 of 1,614,174 alleles (0.00081%); highest among the groups gnomAD compares: Non-Finnish European, 0.001%; no homozygotes.

Submission:

Labcorp Genetics (formerly Invitae), Labcorp
Classification: Uncertain significance for Colorectal cancer, hereditary nonpolyposis, type 7. Last evaluated: 2023-05-02. Review status: criteria provided, single submitter. Criteria: Invitae Variant Classification Sherloc (09022015). Collection method: clinical testing. Allele origin: germline.
Comment: In summary, the available evidence is currently insufficient to determine the role of this variant in disease. Therefore, it has been classified as a Variant of Uncertain Significance. Algorithms developed to predict the effect of missense changes on protein structure and function output the following: SIFT: "Not Available"; PolyPhen-2: "Benign"; Align-GVGD: "Not Available". The alanine amino acid residue is found in multiple mammalian species, which suggests that this missense change does not adversely affect protein function. ClinVar contains an entry for this variant (Variation ID: 658692). This variant has not been reported in the literature in individuals affected with MLH3-related conditions. This variant is present in population databases (no rsID available, gnomAD 0.003%). This sequence change replaces threonine, which is neutral and polar, with alanine, which is neutral and non-polar, at codon 569 of the MLH3 protein (p.Thr569Ala).

NM_001040108.2(MLH3):c.1705A>G (p.Thr569Ala)

Gene: MLH3 (mutL homolog 3; minus strand). Cytogenetic location: 14q24.3.
Variant type: single nucleotide variant.
Coding change: c.1705A>G on transcript NM_001040108.2 (MANE Select); coding-DNA position 1705, A replaced by G.
Protein change: p.Thr569Ala; replaces threonine 569 with alanine.
Molecular consequence: missense variant.
Genome position (GRCh38, 1-based): chr14:75,047,951, T>C on the plus strand (A>G on the coding strand, the complement: MLH3 is on the minus strand). VCF-style: chr14-75047951-T-C. GRCh37 (hg19) VCF-style: chr14-75514654-T-C.
Other names: c.1705A>G, p.Thr569Ala (NM_014381.3); short protein forms T569A.
Identifiers: ClinVar variation 658692 (VCV000658692.10), dbSNP rs1169722825, ClinGen allele CA390444591.